The following is an entry in ClinVar:

NC_000022.10:g.(?_32154522)_(32156698_?)del

Gene: DEPDC5 (DEP domain containing 5, GATOR1 subcomplex subunit; plus strand). Cytogenetic location: 22q12.2.
Variant type: Deletion.
Identifiers: ClinVar variation 1064081 (VCV001064081.6).

ClinVar aggregate classification (germline): Uncertain significance (1 of 4 stars; one submission).

Conditions:
Familial focal epilepsy with variable foci (FPEVF). Identifiers: Orphanet 98820, MedGen C1858477, MONDO:0020310.

Submission:

Labcorp Genetics (formerly Invitae), Labcorp
Classification: Uncertain significance for Familial focal epilepsy with variable foci. Last evaluated: 2022-07-11. Review status: criteria provided, single submitter. Criteria: Invitae Variant Classification Sherloc (09022015). Collection method: clinical testing. Allele origin: germline.
Comment: In summary, the available evidence is currently insufficient to determine the role of this variant in disease. Therefore, it has been classified as a Variant of Uncertain Significance. Experimental studies and prediction algorithms are not available or were not evaluated, and the functional significance of this variant is currently unknown. This variant has not been reported in the literature in individuals affected with DEPDC5-related conditions. This variant is a gross deletion of the genomic region encompassing exon(s) 3-4 of the DEPDC5 gene. This variant would be expected to be in-frame, preserving the integrity of the reading frame.